The following is an entry in ClinVar:

NM_000222.3(KIT):c.888T>A (p.Phe296Leu)

Gene: KIT (KIT proto-oncogene, receptor tyrosine kinase; plus strand). Cytogenetic location: 4q12.
Variant type: single nucleotide variant.
Coding change: c.888T>A on transcript NM_000222.3 (MANE Select); coding-DNA position 888, T replaced by A.
Protein change: p.Phe296Leu; replaces phenylalanine 296 with leucine.
Molecular consequence: missense variant.
Genome position (GRCh38, 1-based): chr4:54,703,855, T>A. VCF-style: chr4-54703855-T-A. GRCh37 (hg19) VCF-style: chr4-55570021-T-A.
Other names: c.888T>A, p.Phe296Leu (NM_001093772.2, NM_001385285.1, NM_001385286.1); c.891T>A, p.Phe297Leu (NM_001385284.1, NM_001385288.1, NM_001385290.1 and 1 more transcripts); short protein forms F296L, F297L.
Identifiers: ClinVar variation 528518 (VCV000528518.9), dbSNP rs1553888402, ClinGen allele CA356900072.

ClinVar aggregate classification (germline): Uncertain significance (1 of 4 stars; one submission).

Conditions:
Gastrointestinal stromal tumor. Also called: Gastrointestinal stroma tumor; Gastrointestinal stromal tumor, somatic. Identifiers: Orphanet 44890, MedGen C0238198, MeSH D046152, MONDO:0011719, OMIM 606764, HP:0100723.

Submission:

Labcorp Genetics (formerly Invitae), Labcorp
Classification: Uncertain significance for Gastrointestinal stromal tumor. Last evaluated: 2017-11-23. Review status: criteria provided, single submitter. Criteria: Invitae Variant Classification Sherloc (09022015). Collection method: clinical testing. Allele origin: germline.
Comment: In summary, the available evidence is currently insufficient to determine the role of this variant in disease. Therefore, it has been classified as a Variant of Uncertain Significance. Algorithms developed to predict the effect of sequence changes on RNA splicing suggest that this variant may create or strengthen a splice site, but this prediction has not been confirmed by published transcriptional studies. Algorithms developed to predict the effect of missense changes on protein structure and function (SIFT, PolyPhen-2, Align-GVGD) all suggest that this variant is likely to be tolerated, but these predictions have not been confirmed by published functional studies and their clinical significance is uncertain. This variant has not been reported in the literature in individuals with KIT-related disease. This variant is not present in population databases (ExAC no frequency). This sequence change replaces phenylalanine with leucine at codon 296 of the KIT protein (p.Phe296Leu). The phenylalanine residue is highly conserved and there is a small physicochemical difference between phenylalanine and leucine.